The following is an entry in ClinVar:

NM_001349253.2(SCN11A):c.1403C>A (p.Ser468Tyr)

Gene: SCN11A (sodium voltage-gated channel alpha subunit 11; minus strand). Cytogenetic location: 3p22.2.
Variant type: single nucleotide variant.
Coding change: c.1403C>A on transcript NM_001349253.2 (MANE Select); coding-DNA position 1403, C replaced by A.
Protein change: p.Ser468Tyr; replaces serine 468 with tyrosine.
Molecular consequence: missense variant.
Genome position (GRCh38, 1-based): chr3:38,908,019, G>T on the plus strand (C>A on the coding strand, the complement: SCN11A is on the minus strand). VCF-style: chr3-38908019-G-T. GRCh37 (hg19) VCF-style: chr3-38949510-G-T.
Other names: p.Ser468Tyr; c.1403C>A, p.Ser468Tyr (NM_014139.3); short protein forms S468Y.
Identifiers: ClinVar variation 660988 (VCV000660988.6), dbSNP rs757798778, ClinGen allele CA2322326.

ClinVar aggregate classification (germline): Uncertain significance. Review status: criteria provided, multiple submitters, no conflicts (2 of 4 stars). 2 submissions from 2 submitters: Uncertain significance (2). Last evaluated 2025-10-09.

Conditions:
Familial episodic pain syndrome with predominantly lower limb involvement. Also called: Episodic pain syndrome, familial, 3. Identifiers: Orphanet 391384, Orphanet 391392, MedGen C3809899, MONDO:0014247, OMIM 615552.
Hereditary sensory and autonomic neuropathy type 7. Also called: Neuropathy, hereditary sensory and autonomic, type VII; HSAN VII. Identifiers: Orphanet 391397, MedGen C3809882, MONDO:0014244, OMIM 615548.

Allele frequency attached by ClinVar (database versions not stated): gnomAD exomes 0.00001 and 0.00004; TOPMed 0.00001; ExAC 0.00002.
gnomAD v4.1: 59 of 1,613,546 alleles (0.0037%); highest among the groups gnomAD compares: Non-Finnish European, 0.0049%; no homozygotes.

Submissions (2):

Labcorp Genetics (formerly Invitae), Labcorp
Classification: Uncertain significance for Familial episodic pain syndrome with predominantly lower limb involvement; Hereditary sensory and autonomic neuropathy type 7. Last evaluated: 2025-10-09. Review status: criteria provided, single submitter. Criteria: Invitae Variant Classification Sherloc (09022015). Collection method: clinical testing. Allele origin: germline.
Comment: This sequence change replaces serine, which is neutral and polar, with tyrosine, which is neutral and polar, at codon 468 of the SCN11A protein (p.Ser468Tyr). This variant is present in population databases (rs757798778, gnomAD 0.002%). This variant has not been reported in the literature in individuals affected with SCN11A-related conditions. ClinVar contains an entry for this variant (Variation ID: 660988). Invitae Evidence Modeling of protein sequence and biophysical properties (such as structural, functional, and spatial information, amino acid conservation, physicochemical variation, residue mobility, and thermodynamic stability) has been performed for this missense variant. However, the output from this modeling did not meet the statistical confidence thresholds required to predict the impact of this variant on SCN11A protein function. In summary, the available evidence is currently insufficient to determine the role of this variant in disease. Therefore, it has been classified as a Variant of Uncertain Significance.

Mayo Clinic Laboratories, Mayo Clinic
Classification: Uncertain significance. Last evaluated: 2023-09-12. Review status: criteria provided, single submitter. Criteria: ACMG Guidelines, 2015. Collection method: clinical testing. Allele origin: germline. Observed: 1 variant allele.